The following is an entry in ClinVar:

ClinVar aggregate classification (germline): Uncertain significance. Review status: criteria provided, multiple submitters, no conflicts (2 of 4 stars). 2 submissions from 2 submitters: Uncertain significance (2). Last evaluated 2024-12-12.

Conditions:
Hereditary cancer-predisposing syndrome. Also called: Tumor predisposition; Hereditary Cancer Syndrome; Neoplastic Syndromes, Hereditary; Hereditary neoplastic syndrome. Identifiers: Orphanet 140162, MedGen C0027672, MeSH D009386, MONDO:0015356.

Allele frequency attached by ClinVar (database versions not stated): gnomAD exomes below 0.00001.

Submissions (2):

GeneDx
Classification: Uncertain significance. Last evaluated: 2024-12-12. Review status: criteria provided, single submitter. Criteria: GeneDx Variant Classification Process June 2021. Collection method: clinical testing. Allele origin: germline. Affected: yes.
Comment: Not observed at significant frequency in large population cohorts (gnomAD); In silico analysis indicates that this missense variant does not alter protein structure/function; Has not been previously published as pathogenic or benign to our knowledge

Ambry Genetics
Classification: Uncertain significance for Hereditary cancer-predisposing syndrome. Last evaluated: 2024-08-18. Review status: criteria provided, single submitter. Criteria: Ambry Variant Classification Scheme 2023. Collection method: clinical testing. Allele origin: germline.
Comment: The p.K35R variant (also known as c.104A>G), located in coding exon 3 of the SDHC gene, results from an A to G substitution at nucleotide position 104. The lysine at codon 35 is replaced by arginine, an amino acid with highly similar properties. This amino acid position is highly conserved in available vertebrate species. In addition, the in silico prediction for this alteration is inconclusive. Since supporting evidence is limited at this time, the clinical significance of this alteration remains unclear.

NM_003001.5(SDHC):c.104A>G (p.Lys35Arg)

Gene: SDHC (succinate dehydrogenase complex subunit C; plus strand). Cytogenetic location: 1q23.3.
Variant type: single nucleotide variant.
Coding change: c.104A>G on transcript NM_003001.5 (MANE Select); coding-DNA position 104, A replaced by G.
Protein change: p.Lys35Arg; replaces lysine 35 with arginine.
Molecular consequence: missense variant. On other transcripts: 5 prime UTR variant (2), non-coding transcript variant (1), intron variant (4).
Genome position (GRCh38, 1-based): chr1:161,328,422, A>G. VCF-style: chr1-161328422-A-G. GRCh37 (hg19) VCF-style: chr1-161298212-A-G.
Other names: c.104A>G, p.Lys35Arg (NM_001035511.3, NM_001407115.1); c.47A>G, p.Lys16Arg (NM_001407116.1, NM_001407117.1, NM_001407121.1); c.-8A>G (NM_001407119.1, NM_001407120.1); c.77+4752A>G (NM_001035512.3, NM_001278172.3, NM_001407118.1); c.21-12172A>G (NM_001035513.3); short protein forms K35R, K16R.
Identifiers: ClinVar variation 822074 (VCV000822074.7), dbSNP rs1342764291, ClinGen allele CA343360950.